The following is an entry in ClinVar:

ClinVar aggregate classification (germline): Conflicting classifications of pathogenicity. Review status: criteria provided, conflicting classifications (1 of 4 stars). 4 submissions from 4 submitters: Uncertain significance (3); Likely benign (1). Last evaluated 2026-01-11.

Conditions:
DICER1-related tumor predisposition. Also called: DICER1-related pleuropulmonary blastoma cancer predisposition syndrome; DICER1 syndrome. Identifiers: Orphanet 284343, MedGen C3839822, MONDO:0100216.
Hereditary cancer-predisposing syndrome. Also called: Hereditary neoplastic syndrome; Neoplastic Syndromes, Hereditary; Tumor predisposition; Hereditary Cancer Syndrome. Identifiers: Orphanet 140162, MedGen C0027672, MeSH D009386, MONDO:0015356.

Allele frequency attached by ClinVar (database versions not stated): gnomAD 0.00001; gnomAD exomes 0.00002 and 0.00004; ExAC 0.00003; TOPMed 0.00003.
gnomAD v4.1: 16 of 1,614,112 alleles (0.00099%); highest among the groups gnomAD compares: East Asian, 0.033%; no homozygotes.

Submissions (4):

Labcorp Genetics (formerly Invitae), Labcorp
Classification: Likely benign for DICER1-related tumor predisposition. Last evaluated: 2026-01-11. Review status: criteria provided, single submitter. Criteria: Invitae Variant Classification Sherloc (09022015). Collection method: clinical testing. Allele origin: germline.

Ambry Genetics
Classification: Uncertain significance for Hereditary cancer-predisposing syndrome. Last evaluated: 2024-06-07. Review status: criteria provided, single submitter. Criteria: Ambry Variant Classification Scheme 2023. Collection method: clinical testing. Allele origin: germline.
Comment: The p.S1076N variant (also known as c.3227G>A), located in coding exon 19 of the DICER1 gene, results from a G to A substitution at nucleotide position 3227. The serine at codon 1076 is replaced by asparagine, an amino acid with highly similar properties. This alteration was identified in a cohort of pediatric patients with pituitary neuroendocrine tumors (Mart&iacute;nez de LaPiscina I et al. Front Endocrinol (Lausanne), 2020 Jul;11:433). This amino acid position is poorly conserved in available vertebrate species. In addition, this alteration is predicted to be tolerated by in silico analysis. Since supporting evidence is limited at this time, the clinical significance of this alteration remains unclear.

GeneDx
Classification: Uncertain significance. Last evaluated: 2024-01-29. Review status: criteria provided, single submitter. Criteria: GeneDx Variant Classification Process June 2021. Collection method: clinical testing. Allele origin: germline. Affected: yes.
Comment: In silico analysis supports that this missense variant does not alter protein structure/function; Identified in an individual with corticotropinoma and was inherited from an unaffected parent (PMID: 32714280); This variant is associated with the following publications: (PMID: 32714280)

Quest Diagnostics Nichols Institute San Juan Capistrano
Classification: Uncertain significance. Last evaluated: 2023-08-16. Review status: criteria provided, single submitter. Criteria: Quest Diagnostics criteria. Collection method: clinical testing. Allele origin: unknown.
Comment: In the published literature, this variant has been reported in an affected individual with Cushing's Disease (PMID: 32714280 (2020)). This variant has not been reported in large, multi-ethnic general populations (Genome Aggregation Database). Analysis of this variant using bioinformatics tools for the prediction of the effect of amino acid changes on protein structure and function yielded predictions that this variant is benign. Based on the available information, we are unable to determine the clinical significance of this variant.

Literature cited by the submitters: PubMed 32714280 (cited by Ambry Genetics and Quest Diagnostics Nichols Institute San Juan Capistrano).

NM_177438.3(DICER1):c.3227G>A (p.Ser1076Asn)

Gene: DICER1 (dicer 1, ribonuclease III; minus strand). Cytogenetic location: 14q32.13.
Variant type: single nucleotide variant.
Coding change: c.3227G>A on transcript NM_177438.3 (MANE Select); coding-DNA position 3227, G replaced by A.
Protein change: p.Ser1076Asn; replaces serine 1076 with asparagine.
Molecular consequence: missense variant.
Genome position (GRCh38, 1-based): chr14:95,105,113, C>T on the plus strand (G>A on the coding strand, the complement: DICER1 is on the minus strand). VCF-style: chr14-95105113-C-T. GRCh37 (hg19) VCF-style: chr14-95571450-C-T.
Other names: c.3227G>A, p.Ser1076Asn (NM_001195573.1, NM_001271282.3, NM_001291628.2 and 1 more transcripts); short protein forms S1076N.
Identifiers: ClinVar variation 412043 (VCV000412043.18), dbSNP rs778494781, ClinGen allele CA7331084.
Genomic context (GRCh38, chr14:95,105,113, plus strand): 5'-CTGACTGCACAGGCATACCTAAAATCCGCAGGAAGTGATCTGACTCCCACGCCAGCATCG[C>T]TGGCAGTCTGGGCTCTTAGCTCCTCTGCAGTCAAAAGGCAGTGAAGGCGATAAAGTATGC-3'
Protein context (NP_803187.1, residues 1066-1086): TAEELRAQTA[Ser1076Asn]DAGVGVRSLP